The following is an entry in ClinVar:

ClinVar aggregate classification (germline): Uncertain significance (1 of 4 stars; one submission).

Submission:

Labcorp Genetics (formerly Invitae), Labcorp
Classification: Uncertain significance. Last evaluated: 2023-03-30. Review status: criteria provided, single submitter. Criteria: Invitae Variant Classification Sherloc (09022015). Collection method: clinical testing. Allele origin: germline.
Comment: This variant has not been reported in the literature in individuals affected with MYLK3-related conditions. This variant is not present in population databases (gnomAD no frequency). This sequence change creates a premature translational stop signal (p.Gln181Valfs*2) in the MYLK3 gene. It is expected to result in an absent or disrupted protein product. However, the current clinical and genetic evidence is not sufficient to establish whether loss-of-function variants in MYLK3 cause disease. ClinVar contains an entry for this variant (Variation ID: 2105621). In summary, the available evidence is currently insufficient to determine the role of this variant in disease. Therefore, it has been classified as a Variant of Uncertain Significance.

NM_182493.3(MYLK3):c.541_542del (p.Gln181fs)

Gene: MYLK3 (myosin light chain kinase 3; minus strand). Cytogenetic location: 16q11.2.
Variant type: Deletion.
Coding change: c.541_542del on transcript NM_182493.3 (MANE Select); coding-DNA positions 541 to 542, 2 bases deleted (CA; older notation c.541_542delCA).
Protein change: p.Gln181fs; shifts the reading frame from glutamine 181.
Molecular consequence: frameshift variant. On other transcripts: 5 prime UTR variant (1).
Genome position (GRCh38, 1-based): chr16:46,740,083-46,740,084, TG deleted on the plus strand (CA on the coding strand, the reverse complement: MYLK3 is on the minus strand). VCF-style (leftmost placement, unchanged base first): chr16-46740082-CTG-C. GRCh37 (hg19) VCF-style: chr16-46773994-CTG-C.
Other names: c.-50_-49del (NM_001308301.1); short protein forms Q181fs.
Identifiers: ClinVar variation 2105621 (VCV002105621.4), dbSNP rs2548908776, ClinGen allele CA2580091559.